The following is an entry in ClinVar:

NM_018965.4(TREM2):c.22A>T (p.Ile8Phe)

Gene: TREM2 (triggering receptor expressed on myeloid cells 2; minus strand). Cytogenetic location: 6p21.1.
Variant type: single nucleotide variant.
Coding change: c.22A>T on transcript NM_018965.4 (MANE Select); coding-DNA position 22, A replaced by T.
Protein change: p.Ile8Phe; replaces isoleucine 8 with phenylalanine.
Molecular consequence: missense variant.
Genome position (GRCh38, 1-based): chr6:41,163,061, T>A on the plus strand (A>T on the coding strand, the complement: TREM2 is on the minus strand). VCF-style: chr6-41163061-T-A. GRCh37 (hg19) VCF-style: chr6-41130799-T-A.
Other names: c.22A>T, p.Ile8Phe (NM_001271821.2); short protein forms I8F.
Identifiers: ClinVar variation 2573593 (VCV002573593.1), dbSNP rs1765607612, ClinGen allele CA364059420.
Genomic context (GRCh38, chr6:41,163,061, plus strand): 5'-GTGAGGGAGAGAAGGCATCACAGGGCACGGAGGGGATCCTACCTGTGACAAAGAGTAAGA[T>A]GAGCAGCCGGAGAGGCTCCATGCCACCCTTCCCCAGCCAAGGGCAGAAGCAGAGTGCCTT-3'
Protein context (NP_061838.1, residues 1-18): MEPLRLL[Ile8Phe]LLFVTELSGA

ClinVar aggregate classification (germline): Uncertain significance (1 of 4 stars; one submission).

Submission:

Women's Health and Genetics/Laboratory Corporation of America, LabCorp
Classification: Uncertain significance. Last evaluated: 2023-06-27. Review status: criteria provided, single submitter. Criteria: LabCorp Variant Classification Summary - May 2015. Collection method: clinical testing. Allele origin: germline.
Comment: Variant summary: TREM2 c.22A>T (p.Ile8Phe) results in a non-conservative amino acid change in the encoded protein sequence. Three of five in-silico tools predict a benign effect of the variant on protein function. The variant was absent in 251244 control chromosomes (gnomAD). The available data on variant occurrences in the general population are insufficient to allow any conclusion about variant significance. To our knowledge, no occurrence of c.22A>T in individuals affected with Polycystic Lipomembranous Osteodysplasia With Sclerosing Leukoencephalopathy 2 and no experimental evidence demonstrating its impact on protein function have been reported. No submitters have cited clinical-significance assessments for this variant to ClinVar after 2014. Based on the evidence outlined above, the variant was classified as uncertain significance.